The following is an entry in ClinVar:

ClinVar aggregate classification (germline): Uncertain significance (1 of 4 stars; one submission).

Conditions:
Bloom syndrome (BLM). Also called: Bloom-Torre-Machacek syndrome. Identifiers: Orphanet 125, MedGen C0005859, MONDO:0008876, OMIM 210900.

Submission:

Labcorp Genetics (formerly Invitae), Labcorp
Classification: Uncertain significance for Bloom syndrome. Last evaluated: 2022-07-19. Review status: criteria provided, single submitter. Criteria: Invitae Variant Classification Sherloc (09022015). Collection method: clinical testing. Allele origin: germline.
Comment: Algorithms developed to predict the effect of missense changes on protein structure and function are either unavailable or do not agree on the potential impact of this missense change (SIFT: "Tolerated"; PolyPhen-2: "Possibly Damaging"; Align-GVGD: "Class C0"). In summary, the available evidence is currently insufficient to determine the role of this variant in disease. Therefore, it has been classified as a Variant of Uncertain Significance. ClinVar contains an entry for this variant (Variation ID: 838635). This variant has not been reported in the literature in individuals affected with BLM-related conditions. This variant is not present in population databases (gnomAD no frequency). This sequence change replaces alanine, which is neutral and non-polar, with threonine, which is neutral and polar, at codon 3 of the BLM protein (p.Ala3Thr).

NM_000057.4(BLM):c.7G>A (p.Ala3Thr)

Gene: BLM (BLM RecQ like helicase; plus strand). Cytogenetic location: 15q26.1.
Variant type: single nucleotide variant.
Coding change: c.7G>A on transcript NM_000057.4 (MANE Select); coding-DNA position 7, G replaced by A.
Protein change: p.Ala3Thr; replaces alanine 3 with threonine.
Molecular consequence: missense variant. On other transcripts: 5 prime UTR variant (1).
Genome position (GRCh38, 1-based): chr15:90,747,399, G>A. VCF-style: chr15-90747399-G-A. GRCh37 (hg19) VCF-style: chr15-91290629-G-A.
Other names: c.7G>A, p.Ala3Thr (NM_001287246.2, NM_001287247.2); c.-1285G>A (NM_001287248.2); short protein forms A3T.
Identifiers: ClinVar variation 838635 (VCV000838635.10), dbSNP rs1895531822, ClinGen allele CA393838765.